The following is an entry in ClinVar:

ClinVar aggregate classification (germline): Uncertain significance (1 of 4 stars; one submission).

Conditions:
Hereditary cancer-predisposing syndrome. Also called: Neoplastic Syndromes, Hereditary; Tumor predisposition; Hereditary Cancer Syndrome; Hereditary neoplastic syndrome. Identifiers: Orphanet 140162, MedGen C0027672, MeSH D009386, MONDO:0015356.

Submission:

Ambry Genetics
Classification: Uncertain significance for Hereditary cancer-predisposing syndrome. Last evaluated: 2022-01-11. Review status: criteria provided, single submitter. Criteria: Ambry Variant Classification Scheme 2023. Collection method: clinical testing. Allele origin: germline.
Comment: The p.K1176E variant (also known as c.3526A>G), located in coding exon 17 of the BLM gene, results from an A to G substitution at nucleotide position 3526. The lysine at codon 1176 is replaced by glutamic acid, an amino acid with similar properties. This amino acid position is conserved. In addition, this alteration is predicted to be tolerated by in silico analysis. Since supporting evidence is limited at this time, the clinical significance of this alteration remains unclear.

NM_000057.4(BLM):c.3526A>G (p.Lys1176Glu)

Gene: BLM (BLM RecQ like helicase; plus strand). Cytogenetic location: 15q26.1.
Variant type: single nucleotide variant.
Coding change: c.3526A>G on transcript NM_000057.4 (MANE Select); coding-DNA position 3526, A replaced by G.
Protein change: p.Lys1176Glu; replaces lysine 1176 with glutamic acid.
Molecular consequence: missense variant. On other transcripts: intron variant (1).
Genome position (GRCh38, 1-based): chr15:90,803,688, A>G. VCF-style: chr15-90803688-A-G. GRCh37 (hg19) VCF-style: chr15-91346918-A-G.
Other names: c.3526A>G, p.Lys1176Glu (NM_001287246.2); c.2401A>G, p.Lys801Glu (NM_001287248.2); c.3358+5351A>G (NM_001287247.2); short protein forms K1176E, K801E.
Identifiers: ClinVar variation 1732304 (VCV001732304.2), dbSNP rs2505547747, ClinGen allele CA393847792.